The following is an entry in ClinVar:

ClinVar aggregate classification (germline): Uncertain significance (1 of 4 stars; one submission).

Conditions:
Progressive familial heart block type IB (PFHB1B). Identifiers: Orphanet 871, MedGen C1970298, MONDO:0011474, OMIM 604559.

gnomAD v4.1: 4 of 1,613,566 alleles (0.00025%); highest among the groups gnomAD compares: African/African-American, 0.0013%; no homozygotes.

Submission:

Labcorp Genetics (formerly Invitae), Labcorp
Classification: Uncertain significance for Progressive familial heart block type IB. Last evaluated: 2025-08-24. Review status: criteria provided, single submitter. Criteria: Invitae Variant Classification Sherloc (09022015). Collection method: clinical testing. Allele origin: germline.
Comment: This sequence change replaces leucine, which is neutral and non-polar, with valine, which is neutral and non-polar, at codon 702 of the TRPM4 protein (p.Leu702Val). This variant is present in population databases (rs375408319, gnomAD 0.007%). This variant has not been reported in the literature in individuals affected with TRPM4-related conditions. An algorithm developed to predict the effect of missense changes on protein structure and function (PolyPhen-2) suggests that this variant is likely to be disruptive. In summary, the available evidence is currently insufficient to determine the role of this variant in disease. Therefore, it has been classified as a Variant of Uncertain Significance.

NM_017636.4(TRPM4):c.2104C>G (p.Leu702Val)

Gene: TRPM4 (transient receptor potential cation channel subfamily M member 4; plus strand). Cytogenetic location: 19q13.33.
Variant type: single nucleotide variant.
Coding change: c.2104C>G on transcript NM_017636.4 (MANE Select); coding-DNA position 2104, C replaced by G.
Protein change: p.Leu702Val; replaces leucine 702 with valine.
Molecular consequence: missense variant.
Genome position (GRCh38, 1-based): chr19:49,190,292, C>G. VCF-style: chr19-49190292-C-G. GRCh37 (hg19) VCF-style: chr19-49693549-C-G.
Other names: c.2104C>G, p.Leu702Val (NM_001195227.2); c.1759C>G, p.Leu587Val (NM_001321281.2); c.496C>G, p.Leu166Val (NM_001321282.2); c.1582C>G, p.Leu528Val (NM_001321283.2); c.1042C>G, p.Leu348Val (NM_001321285.2); short protein forms L166V, L348V, L528V, L587V, L702V.
Identifiers: ClinVar variation 4805740 (VCV004805740.1).